The following is an entry in ClinVar:

ClinVar aggregate classification (germline): Uncertain significance (1 of 4 stars; one submission).

Allele frequency attached by ClinVar (database versions not stated): TOPMed below 0.00001; gnomAD exomes 0.00001.
gnomAD v4.1: 18 of 1,613,800 alleles (0.0011%); highest among the groups gnomAD compares: Middle Eastern, 0.016%; no homozygotes.

Submission:

Labcorp Genetics (formerly Invitae), Labcorp
Classification: Uncertain significance. Last evaluated: 2023-07-12. Review status: criteria provided, single submitter. Criteria: Invitae Variant Classification Sherloc (09022015). Collection method: clinical testing. Allele origin: germline.
Comment: This sequence change replaces arginine, which is basic and polar, with glutamine, which is neutral and polar, at codon 267 of the DIP2C protein (p.Arg267Gln). This variant is not present in population databases (gnomAD no frequency). This variant has not been reported in the literature in individuals affected with DIP2C-related conditions. An algorithm developed to predict the effect of missense changes on protein structure and function (PolyPhen-2) suggests that this variant is likely to be tolerated. In summary, the available evidence is currently insufficient to determine the role of this variant in disease. Therefore, it has been classified as a Variant of Uncertain Significance.

NM_014974.3(DIP2C):c.800G>A (p.Arg267Gln)

Genes: DIP2C (DIP2 acetate--CoA ligase C (putative); minus strand), LOC126860807 (CDK7 strongly-dependent group 2 enhancer GRCh37_chr10:461462-462661; plus strand). Cytogenetic location: 10p15.3.
Variant type: single nucleotide variant.
Coding change: c.800G>A on transcript NM_014974.3 (MANE Select); coding-DNA position 800, G replaced by A.
Protein change: p.Arg267Gln; replaces arginine 267 with glutamine.
Molecular consequence: missense variant.
Genome position (GRCh38, 1-based): chr10:415,828, C>T on the plus strand (G>A on the coding strand, the complement: DIP2C is on the minus strand). VCF-style: chr10-415828-C-T. GRCh37 (hg19) VCF-style: chr10-461768-C-T.
Other names: short protein forms R267Q.
Identifiers: ClinVar variation 2723576 (VCV002723576.3), dbSNP rs1965593495, ClinGen allele CA375832650.
Genomic context (GRCh38, chr10:415,828, plus strand): 5'-CCTTCTAATAATTCTTCAAAGTCATCGACAAAGAATTCTCGTAAAGGTGGTCGTTTCGGT[C>T]GTTTGAGGGTATTGACAAGCTGCTGGATTTTTGCTGACACCCGGCTACTTACTGGTACTC-3'
Protein context (NP_055789.1, residues 257-277): KIQQLVNTLK[Arg267Gln]PKRPPLREFF